The following is an entry in ClinVar:

ClinVar aggregate classification (germline): Uncertain significance (1 of 4 stars; one submission).

Allele frequency attached by ClinVar (database versions not stated): TOPMed below 0.00001.

Submission:

Labcorp Genetics (formerly Invitae), Labcorp
Classification: Uncertain significance. Last evaluated: 2019-04-17. Review status: criteria provided, single submitter. Criteria: Invitae Variant Classification Sherloc (09022015). Collection method: clinical testing. Allele origin: germline.
Comment: This sequence change replaces glutamic acid with aspartic acid at codon 617 of the RINT1 protein (p.Glu617Asp). The glutamic acid residue is highly conserved and there is a small physicochemical difference between glutamic acid and aspartic acid. This variant is not present in population databases (ExAC no frequency). This variant has not been reported in the literature in individuals with RINT1-related conditions. Algorithms developed to predict the effect of missense changes on protein structure and function output the following: SIFT: "Deleterious"; PolyPhen-2: "Benign"; Align-GVGD: "Class C0". The aspartic acid amino acid residue is found in multiple mammalian species, suggesting that this missense change does not adversely affect protein function. These predictions have not been confirmed by published functional studies and their clinical significance is uncertain. In summary, the available evidence is currently insufficient to determine the role of this variant in disease. Therefore, it has been classified as a Variant of Uncertain Significance.

NM_021930.6(RINT1):c.1851A>C (p.Glu617Asp)

Gene: RINT1 (RAD50 interactor 1; plus strand). Cytogenetic location: 7q22.3.
Variant type: single nucleotide variant.
Coding change: c.1851A>C on transcript NM_021930.6 (MANE Select); coding-DNA position 1851, A replaced by C.
Protein change: p.Glu617Asp; replaces glutamic acid 617 with aspartic acid.
Molecular consequence: missense variant. On other transcripts: non-coding transcript variant (1).
Genome position (GRCh38, 1-based): chr7:105,563,912, A>C. VCF-style: chr7-105563912-A-C. GRCh37 (hg19) VCF-style: chr7-105204359-A-C.
Other names: c.1617A>C, p.Glu539Asp (NM_001346599.2); c.828A>C, p.Glu276Asp (NM_001346600.2, NM_001346603.2); c.927A>C, p.Glu309Asp (NM_001346601.2); short protein forms E276D, E309D, E539D, E617D.
Identifiers: ClinVar variation 852255 (VCV000852255.9), dbSNP rs1791565930, ClinGen allele CA368814193.
Genomic context (GRCh38, chr7:105,563,912, plus strand): 5'-CCTCTTAGAACGTTTAAAGCATGATATGTTGACCCGTCAAGTAGACCACGTTTTTAGAGA[A>C]GTTAAAGATGCTGCAAAATTGTATAAAAAAGAAAGGTATGTCCTCTATGTAAGTCAGCTC-3'
Protein context (NP_068749.3, residues 607-627): LTRQVDHVFR[Glu617Asp]VKDAAKLYKK